The following is an entry in ClinVar:

NM_001130987.2(DYSF):c.1282G>A (p.Asp428Asn)

Gene: DYSF (dysferlin; plus strand). Cytogenetic location: 2p13.2.
Variant type: single nucleotide variant.
Coding change: c.1282G>A on transcript NM_001130987.2 (MANE Select); coding-DNA position 1282, G replaced by A.
Protein change: p.Asp428Asn; replaces aspartic acid 428 with asparagine.
Molecular consequence: missense variant.
Genome position (GRCh38, 1-based): chr2:71,528,303, G>A. VCF-style: chr2-71528303-G-A. GRCh37 (hg19) VCF-style: chr2-71755433-G-A.
Other names: c.1186G>A, p.Asp396Asn (NM_003494.4, NM_001130976.2, NM_001130977.2 and 1 more transcripts); c.1189G>A, p.Asp397Asn (NM_001130455.2, NM_001130983.2, NM_001130984.2 and 1 more transcripts); c.1279G>A, p.Asp427Asn (NM_001130979.2, NM_001130980.2, NM_001130981.2); c.1282G>A, p.Asp428Asn (NM_001130982.2, NM_001130985.2); short protein forms D396N, D397N, D427N, D428N.
Identifiers: ClinVar variation 1022852 (VCV001022852.2), dbSNP rs762842080, ClinGen allele CA1705695.
Genomic context (GRCh38, chr2:71,528,303, plus strand): 5'-GGGTTTTAGAGGAGAGACAGCAGGCAGGCAGTGACTGGTGTGTCCCTCTTCCCAGTGGAC[G>A]ATGCCGTGATGGACAACGTGAAACAGATCTTTGGCTTCGAGAGTAACAAGAAGAACTTGG-3'
Protein context (NP_001124459.1, residues 418-438): FRAEDLPQMD[Asp428Asn]AVMDNVKQIF

ClinVar aggregate classification (germline): Uncertain significance (1 of 4 stars; one submission).

Conditions:
Neuromuscular disease caused by qualitative or quantitative defects of dysferlin. Also called: Qualitative or quantitative defects of dysferlin; Dysferlinopathy. Identifiers: Orphanet 207073, MedGen C2931687, MONDO:0016145.

Allele frequency attached by ClinVar (database versions not stated): ExAC 0.00001; gnomAD 0.00001; gnomAD exomes 0.00001 and 0.00002; TOPMed 0.00002.
gnomAD v4.1: 12 of 1,613,680 alleles (0.00074%); highest among the groups gnomAD compares: Admixed American, 0.005%; no homozygotes.

Submission:

Labcorp Genetics (formerly Invitae), Labcorp
Classification: Uncertain significance for Neuromuscular disease caused by qualitative or quantitative defects of dysferlin. Last evaluated: 2022-02-10. Review status: criteria provided, single submitter. Criteria: Invitae Variant Classification Sherloc (09022015). Collection method: clinical testing. Allele origin: germline.
Comment: This sequence change replaces aspartic acid, which is acidic and polar, with asparagine, which is neutral and polar, at codon 396 of the DYSF protein (p.Asp396Asn). This variant is present in population databases (rs762842080, gnomAD 0.007%). This variant has not been reported in the literature in individuals affected with DYSF-related conditions. ClinVar contains an entry for this variant (Variation ID: 1022852). Advanced modeling of protein sequence and biophysical properties (such as structural, functional, and spatial information, amino acid conservation, physicochemical variation, residue mobility, and thermodynamic stability) performed at Invitae indicates that this missense variant is not expected to disrupt DYSF protein function. In summary, the available evidence is currently insufficient to determine the role of this variant in disease. Therefore, it has been classified as a Variant of Uncertain Significance.